The following is an entry in ClinVar:

NM_002430.3(MN1):c.2111G>T (p.Gly704Val)

Gene: MN1 (MN1 proto-oncogene, transcriptional regulator; minus strand). Cytogenetic location: 22q12.1.
Variant type: single nucleotide variant.
Coding change: c.2111G>T on transcript NM_002430.3 (MANE Select); coding-DNA position 2111, G replaced by T.
Protein change: p.Gly704Val; replaces glycine 704 with valine.
Molecular consequence: missense variant.
Genome position (GRCh38, 1-based): chr22:27,798,433, C>A on the plus strand (G>T on the coding strand, the complement: MN1 is on the minus strand). VCF-style: chr22-27798433-C-A. GRCh37 (hg19) VCF-style: chr22-28194421-C-A.
Other names: short protein forms G704V.
Identifiers: ClinVar variation 2501324 (VCV002501324.1), dbSNP rs750109978, ClinGen allele CA322884414.

ClinVar aggregate classification (germline): Uncertain significance (1 of 4 stars; one submission).

gnomAD v4.1: 1 of 1,554,024 alleles (0.000064%); highest among the groups gnomAD compares: Non-Finnish European, 0.000086%; no homozygotes.

Submission:

GeneDx
Classification: Uncertain significance. Last evaluated: 2022-10-19. Review status: criteria provided, single submitter. Criteria: GeneDx Variant Classification Process June 2021. Collection method: clinical testing. Allele origin: germline. Affected: yes.
Comment: Not observed at significant frequency in large population cohorts (gnomAD); In silico analysis supports that this missense variant has a deleterious effect on protein structure/function; Has not been previously published as pathogenic or benign to our knowledge